The following is an entry in ClinVar:

ClinVar aggregate classification (germline): Likely benign (1 of 4 stars; one submission).

Allele frequency attached by ClinVar (database versions not stated): ExAC 0.00001; gnomAD 0.00001; gnomAD exomes 0.00001 and 0.00002.

Submission:

GeneDx
Classification: Likely benign. Last evaluated: 2016-09-01. Review status: criteria provided, single submitter. Criteria: GeneDx Variant Classification (06012015). Collection method: clinical testing. Allele origin: germline. Affected: yes.
Comment: This variant is considered likely benign or benign based on one or more of the following criteria: it is a conservative change, it occurs at a poorly conserved position in the protein, it is predicted to be benign by multiple in silico algorithms, and/or has population frequency not consistent with disease.

NM_017837.4(PIGV):c.258C>T (p.Ala86=)

Gene: PIGV (phosphatidylinositol glycan anchor biosynthesis class V; plus strand). Cytogenetic location: 1p36.11.
Variant type: single nucleotide variant.
Coding change: c.258C>T on transcript NM_017837.4 (MANE Select); coding-DNA position 258, C replaced by T.
Protein change: p.Ala86=; no amino-acid change (alanine 86 retained).
Molecular consequence: synonymous variant. On other transcripts: 5 prime UTR variant (1), non-coding transcript variant (1), intron variant (3).
Genome position (GRCh38, 1-based): chr1:26,794,292, C>T. VCF-style: chr1-26794292-C-T. GRCh37 (hg19) VCF-style: chr1-27120783-C-T.
Other names: c.258C>T, p.Ala86= (NM_001202554.2, NM_001374478.1, NM_001374480.1 and 2 more transcripts); c.-124C>T (NM_001374483.1); c.172+86C>T (NM_001374484.1, NM_001374485.1); c.79-3271C>T (NM_001374486.1).
Identifiers: ClinVar variation 388918 (VCV000388918.1), dbSNP rs749928862, ClinGen allele CA708025.